The following is an entry in ClinVar:

NM_006231.4(POLE):c.4569G>T (p.Met1523Ile)

Gene: POLE (DNA polymerase epsilon, catalytic subunit; minus strand). Cytogenetic location: 12q24.33.
Variant type: single nucleotide variant.
Coding change: c.4569G>T on transcript NM_006231.4 (MANE Select); coding-DNA position 4569, G replaced by T.
Protein change: p.Met1523Ile; replaces methionine 1523 with isoleucine.
Molecular consequence: missense variant.
Genome position (GRCh38, 1-based): chr12:132,642,979, C>A on the plus strand (G>T on the coding strand, the complement: POLE is on the minus strand). VCF-style: chr12-132642979-C-A. GRCh37 (hg19) VCF-style: chr12-133219565-C-A.
Other names: short protein forms M1523I.
Identifiers: ClinVar variation 2625249 (VCV002625249.2), dbSNP rs2042187083, ClinGen allele CA387379316.

ClinVar aggregate classification (germline): Uncertain significance (1 of 4 stars; one submission).

Conditions:
Hereditary cancer-predisposing syndrome. Also called: Tumor predisposition; Hereditary Cancer Syndrome; Hereditary neoplastic syndrome; Neoplastic Syndromes, Hereditary. Identifiers: Orphanet 140162, MedGen C0027672, MeSH D009386, MONDO:0015356.

Submission:

Ambry Genetics
Classification: Uncertain significance for Hereditary cancer-predisposing syndrome. Last evaluated: 2023-09-01. Review status: criteria provided, single submitter. Criteria: Ambry Variant Classification Scheme 2023. Collection method: clinical testing. Allele origin: germline.
Comment: The p.M1523I variant (also known as c.4569G>T), located in coding exon 36 of the POLE gene, results from a G to T substitution at nucleotide position 4569. The methionine at codon 1523 is replaced by isoleucine, an amino acid with highly similar properties. This amino acid position is conserved. In addition, the in silico prediction for this alteration is inconclusive. Since supporting evidence is limited at this time, the clinical significance of this alteration remains unclear.